The following is an entry in ClinVar:

ClinVar aggregate classification (germline): Uncertain significance (1 of 4 stars; one submission).

Allele frequency attached by ClinVar (database versions not stated): TOPMed 0.00001.

Submission:

CeGaT Center for Human Genetics Tuebingen
Classification: Uncertain significance. Last evaluated: 2023-08-01. Review status: criteria provided, single submitter. Criteria: CeGaT Center For Human Genetics Tuebingen Variant Classification Criteria Version 2. Collection method: clinical testing. Allele origin: germline. Affected: yes. Observed: 2 variant alleles.
Comment: PIEZO2: PM2, PP2

NM_001378183.1(PIEZO2):c.1585A>G (p.Thr529Ala)

Gene: PIEZO2 (piezo type mechanosensitive ion channel component 2; minus strand). Cytogenetic location: 18p11.22.
Variant type: single nucleotide variant.
Coding change: c.1585A>G on transcript NM_001378183.1 (MANE Select); coding-DNA position 1585, A replaced by G.
Protein change: p.Thr529Ala; replaces threonine 529 with alanine.
Molecular consequence: missense variant.
Genome position (GRCh38, 1-based): chr18:10,794,945, T>C on the plus strand (A>G on the coding strand, the complement: PIEZO2 is on the minus strand). VCF-style: chr18-10794945-T-C. GRCh37 (hg19) VCF-style: chr18-10794943-T-C.
Other names: c.1585A>G, p.Thr529Ala (NM_001410871.1, NM_022068.4); short protein forms T529A.
Identifiers: ClinVar variation 2498734 (VCV002498734.28), dbSNP rs1236161907, ClinGen allele CA401924531.